The following is an entry in ClinVar:

ClinVar aggregate classification (germline): Uncertain significance (1 of 4 stars; one submission).

Conditions:
Cohen syndrome (COH1). Also called: Cutis verticis gyrata, retinitis pigmentosa, and sensorineural deafness; PEPPER SYNDROME. Identifiers: Orphanet 193, MedGen C0265223, MONDO:0008999, OMIM 216550.

Submission:

Labcorp Genetics (formerly Invitae), Labcorp
Classification: Uncertain significance for Cohen syndrome. Last evaluated: 2022-07-09. Review status: criteria provided, single submitter. Criteria: Invitae Variant Classification Sherloc (09022015). Collection method: clinical testing. Allele origin: germline.
Comment: This sequence change replaces lysine, which is basic and polar, with asparagine, which is neutral and polar, at codon 2069 of the VPS13B protein (p.Lys2069Asn). This variant is not present in population databases (gnomAD no frequency). This variant has not been reported in the literature in individuals affected with VPS13B-related conditions. ClinVar contains an entry for this variant (Variation ID: 1448351). Algorithms developed to predict the effect of missense changes on protein structure and function are either unavailable or do not agree on the potential impact of this missense change (SIFT: "Not Available"; PolyPhen-2: "Possibly Damaging"; Align-GVGD: "Not Available"). In summary, the available evidence is currently insufficient to determine the role of this variant in disease. Therefore, it has been classified as a Variant of Uncertain Significance.

NM_152564.5(VPS13B):c.6132G>T (p.Lys2044Asn)

Gene: VPS13B (vacuolar protein sorting 13 homolog B; plus strand). Cytogenetic location: 8q22.2.
Variant type: single nucleotide variant.
Coding change: c.6132G>T on transcript NM_152564.5 (MANE Select); coding-DNA position 6132, G replaced by T.
Protein change: p.Lys2044Asn; replaces lysine 2044 with asparagine.
Molecular consequence: missense variant.
Genome position (GRCh38, 1-based): chr8:99,699,610, G>T. VCF-style: chr8-99699610-G-T. GRCh37 (hg19) VCF-style: chr8-100711838-G-T.
Other names: c.6207G>T, p.Lys2069Asn (NM_017890.5); short protein forms K2069N, K2044N.
Identifiers: ClinVar variation 1448351 (VCV001448351.6), dbSNP rs1832185851, ClinGen allele CA371874246.